The following is an entry in ClinVar:

ClinVar aggregate classification (germline): Uncertain significance (1 of 4 stars; one submission).

gnomAD v4.1: 2 of 1,607,802 alleles (0.00012%); highest among the groups gnomAD compares: Non-Finnish European, 0.00017%; no homozygotes.

Submission:

CeGaT Center for Human Genetics Tuebingen
Classification: Uncertain significance. Last evaluated: 2026-06-01. Review status: criteria provided, single submitter. Criteria: CeGaT Center For Human Genetics Tuebingen Variant Classification Criteria Version 2. Collection method: clinical testing. Allele origin: germline. Affected: yes. Observed: 1 variant allele.
Comment: DHX37: PM2

NM_032656.4(DHX37):c.2395T>C (p.Tyr799His)

Gene: DHX37 (DEAH-box helicase 37; minus strand). Cytogenetic location: 12q24.31.
Variant type: single nucleotide variant.
Coding change: c.2395T>C on transcript NM_032656.4 (MANE Select); coding-DNA position 2395, T replaced by C.
Protein change: p.Tyr799His; replaces tyrosine 799 with histidine.
Molecular consequence: missense variant.
Genome position (GRCh38, 1-based): chr12:124,956,749, A>G on the plus strand (T>C on the coding strand, the complement: DHX37 is on the minus strand). VCF-style: chr12-124956749-A-G. GRCh37 (hg19) VCF-style: chr12-125441295-A-G.
Other names: short protein forms Y799H.
Identifiers: ClinVar variation 4873191 (VCV004873191.2).
Genomic context (GRCh38, chr12:124,956,749, plus strand): 5'-ACCTGTCCAGCTCCTCAAACAGCTCCCGCACCGTCATGCTGGCCACGATGGTGATGGCAT[A>G]GGGCAGGCAGCCGTGTTGTCGGCTCAGTGCCAGCATCTTAGCGTAGCGGGGTGCCACGGG-3'
Protein context (NP_116045.2, residues 789-809): ALSRQHGCLP[Tyr799His]AITIVASMTV